The following is an entry in ClinVar:

NM_000032.5(ALAS2):c.787G>T (p.Asp263Tyr)

Gene: ALAS2 (5'-aminolevulinate synthase 2; minus strand). Cytogenetic location: Xp11.21.
Variant type: single nucleotide variant.
Coding change: c.787G>T on transcript NM_000032.5 (MANE Select); coding-DNA position 787, G replaced by T.
Protein change: p.Asp263Tyr; replaces aspartic acid 263 with tyrosine.
Molecular consequence: missense variant.
Genome position (GRCh38, 1-based): chrX:55,020,356, C>A on the plus strand (G>T on the coding strand, the complement: ALAS2 is on the minus strand). VCF-style: chrX-55020356-C-A. GRCh37 (hg19) VCF-style: chrX-55046789-C-A.
Other names: c.676G>T, p.Asp226Tyr (NM_001037967.4); c.748G>T, p.Asp250Tyr (NM_001037968.4); short protein forms D226Y, D250Y, D263Y.
Identifiers: ClinVar variation 3389861 (VCV003389861.14).
Genomic context (GRCh38, chrX:55,020,356, plus strand): 5'-ACAAAGCTCAGGCCTCAGGCTTACCTGGCAGGATCTTGGCCAAGGTGAAGAGAGTAGAGT[C>A]ATTGGCAACAAAGCAGGAGGAGAAGAGCAGGGCTGAGTCCTTCTGGTGCAGCTCAGCCAG-3'
Protein context (NP_000023.2, residues 253-273): LLFSSCFVAN[Asp263Tyr]STLFTLAKIL

ClinVar aggregate classification (germline): Uncertain significance (1 of 4 stars; one submission).

Submission:

CeGaT Center for Human Genetics Tuebingen
Classification: Uncertain significance. Last evaluated: 2024-10-01. Review status: criteria provided, single submitter. Criteria: CeGaT Center For Human Genetics Tuebingen Variant Classification Criteria Version 2. Collection method: clinical testing. Allele origin: germline. Affected: yes. Observed: 1 variant allele.
Comment: ALAS2: PM2, PP3